The following is an entry in ClinVar:

ClinVar aggregate classification (germline): Pathogenic. Review status: criteria provided, single submitter (1 of 4 stars). 2 submissions from 2 submitters: Pathogenic (1). 1 of the submissions does not count toward it. Last evaluated 2023-10-28.

Conditions:
Junctional epidermolysis bullosa gravis of Herlitz. Also called: Herlitz-type junctional epidermolysis bullosa; EPIDERMOLYSIS BULLOSA JUNCTIONALIS, HERLITZ TYPE; EPIDERMOLYSIS BULLOSA, JUNCTIONAL, HERLITZ-PEARSON TYPE; Epidermolysis Bullosa Letalis; JEB-HERLITZ TYPE; EPIDERMOLYSIS BULLOSA, JUNCTIONAL 1B, SEVERE. Identifiers: Orphanet 79404, MedGen C0079683, MONDO:0009182, OMIM 226700.

Submissions (2):

Labcorp Genetics (formerly Invitae), Labcorp
Classification: Pathogenic. Last evaluated: 2023-10-28. Review status: criteria provided, single submitter. Criteria: Invitae Variant Classification Sherloc (09022015). Collection method: clinical testing. Allele origin: germline.
Comment: This sequence change creates a premature translational stop signal (p.Asp344Valfs*53) in the LAMB3 gene. It is expected to result in an absent or disrupted protein product. Loss-of-function variants in LAMB3 are known to be pathogenic (PMID: 11023379, 16473856). This variant is not present in population databases (gnomAD no frequency). This variant has not been reported in the literature in individuals affected with LAMB3-related conditions. ClinVar contains an entry for this variant (Variation ID: 371462). For these reasons, this variant has been classified as Pathogenic.

Counsyl
Classification: Likely pathogenic for Junctional epidermolysis bullosa gravis of Herlitz. Last evaluated: 2016-10-03. Review status: no assertion criteria provided. Collection method: clinical testing. Allele origin: unknown. Not counted in ClinVar's aggregate classification.

Literature cited by the submitters: PubMed 11023379 (cited by Labcorp Genetics (formerly Invitae), Labcorp); PubMed 16473856 (cited by Labcorp Genetics (formerly Invitae), Labcorp).

NM_000228.3(LAMB3):c.1029_1030dup (p.Asp344fs)

Gene: LAMB3 (laminin subunit beta 3; minus strand). Cytogenetic location: 1q32.2.
Variant type: Microsatellite.
Coding change: c.1029_1030dup on transcript NM_000228.3 (MANE Select); coding-DNA positions 1029 to 1030, 2 bases duplicated (TG; older notation c.1029_1030dupTG).
Protein change: p.Asp344fs; shifts the reading frame from aspartic acid 344.
Molecular consequence: frameshift variant.
Genome position (GRCh38, 1-based): chr1:209,629,839-209,629,840, CA duplicated on the plus strand (TG on the coding strand, the reverse complement: LAMB3 is on the minus strand); duplicating any 2 consecutive bases within chr1:209,629,839-209,629,847 gives the same sequence; the c. name uses the placement nearest the transcript's 3' end. VCF-style (leftmost placement, unchanged base first): chr1-209629838-T-TCA. GRCh37 (hg19) VCF-style: chr1-209803183-T-TCA.
Other names: c.1029_1030dup, p.Asp344fs (NM_001017402.2, NM_001127641.1); short protein forms D344fs.
Identifiers: ClinVar variation 371462 (VCV000371462.6), dbSNP rs1057517290, ClinGen allele CA16040696.